The following is an entry in ClinVar:

ClinVar aggregate classification (germline): Uncertain significance. Review status: criteria provided, multiple submitters, no conflicts (2 of 4 stars). 2 submissions from 2 submitters: Uncertain significance (2). Last evaluated 2024-05-24.

Conditions:
Inborn genetic diseases. Identifiers: MedGen C0950123, MeSH D030342.

Allele frequency attached by ClinVar (database versions not stated): TOPMed 0.00001; ExAC 0.00002; ESP Exome Variant Server 0.00008.
gnomAD v4.1: 74 of 1,613,558 alleles (0.0046%); highest among the groups gnomAD compares: Non-Finnish European, 0.0062%; no homozygotes.

Submissions (2):

Ambry Genetics
Classification: Uncertain significance for Inborn genetic diseases. Last evaluated: 2024-05-24. Review status: criteria provided, single submitter. Criteria: Ambry Variant Classification Scheme 2023. Collection method: clinical testing. Allele origin: germline.

Labcorp Genetics (formerly Invitae), Labcorp
Classification: Uncertain significance. Last evaluated: 2023-08-25. Review status: criteria provided, single submitter. Criteria: Invitae Variant Classification Sherloc (09022015). Collection method: clinical testing. Allele origin: germline.
Comment: In summary, the available evidence is currently insufficient to determine the role of this variant in disease. Therefore, it has been classified as a Variant of Uncertain Significance. An algorithm developed to predict the effect of missense changes on protein structure and function (PolyPhen-2) suggests that this variant¬†is likely to be tolerated. ClinVar contains an entry for this variant (Variation ID: 2281220). This variant has not been reported in the literature in individuals affected with COL13A1-related conditions. This variant is present in population databases (rs376808692, gnomAD 0.003%). This sequence change replaces proline, which is neutral and non-polar, with alanine, which is neutral and non-polar, at codon 252 of the COL13A1 protein (p.Pro252Ala).

NM_001368882.1(COL13A1):c.724C>G (p.Pro242Ala)

Gene: COL13A1 (collagen type XIII alpha 1 chain; plus strand). Cytogenetic location: 10q22.1.
Variant type: single nucleotide variant.
Coding change: c.724C>G on transcript NM_001368882.1 (MANE Select); coding-DNA position 724, C replaced by G.
Protein change: p.Pro242Ala; replaces proline 242 with alanine.
Molecular consequence: missense variant. On other transcripts: intron variant (3).
Genome position (GRCh38, 1-based): chr10:69,898,736, C>G. VCF-style: chr10-69898736-C-G. GRCh37 (hg19) VCF-style: chr10-71658492-C-G.
Other names: c.754C>G, p.Pro252Ala (NM_001130103.2); c.724C>G, p.Pro242Ala (NM_001320951.2, NM_001368884.1); c.688C>G, p.Pro230Ala (NM_001368883.1, NM_001368885.1); c.124C>G, p.Pro42Ala (NM_001368886.1); c.634C>G, p.Pro212Ala (NM_001368895.1); c.583C>G, p.Pro195Ala (NM_001368896.1, NM_001368898.1, NM_080798.4); c.610C>G, p.Pro204Ala (NM_001368897.1); c.697C>G, p.Pro233Ala (NM_080800.4); and 2 more; short protein forms P204A, P212A, P252A, P230A, P195A, P42A, P233A, P242A.
Identifiers: ClinVar variation 2281220 (VCV002281220.4), dbSNP rs376808692, ClinGen allele CA5534413.